The following is an entry in ClinVar:

NM_020461.4(TUBGCP6):c.954C>T (p.Asp318=)

Gene: TUBGCP6 (tubulin gamma complex component 6; minus strand). Cytogenetic location: 22q13.33.
Variant type: single nucleotide variant.
Coding change: c.954C>T on transcript NM_020461.4 (MANE Select); coding-DNA position 954, C replaced by T.
Protein change: p.Asp318=; no amino-acid change (aspartic acid 318 retained).
Molecular consequence: synonymous variant.
Genome position (GRCh38, 1-based): chr22:50,233,478, G>A on the plus strand (C>T on the coding strand, the complement: TUBGCP6 is on the minus strand). VCF-style: chr22-50233478-G-A. GRCh37 (hg19) VCF-style: chr22-50671907-G-A.
Identifiers: ClinVar variation 1645636 (VCV001645636.32), dbSNP rs756602693, ClinGen allele CA10308877.

ClinVar aggregate classification (germline): Likely benign. Review status: criteria provided, multiple submitters, no conflicts (2 of 4 stars). 2 submissions from 2 submitters: Likely benign (2). Last evaluated 2024-01-01.

Allele frequency attached by ClinVar (database versions not stated): gnomAD 0.00001; ExAC 0.00002; gnomAD exomes 0.00002 and 0.00003; TOPMed 0.00002.

Submissions (2):

CeGaT Center for Human Genetics Tuebingen
Classification: Likely benign. Last evaluated: 2024-01-01. Review status: criteria provided, single submitter. Criteria: CeGaT Center For Human Genetics Tuebingen Variant Classification Criteria Version 2. Collection method: clinical testing. Allele origin: germline. Affected: yes. Observed: 2 variant alleles.
Comment: TUBGCP6: BP4, BP7

Labcorp Genetics (formerly Invitae), Labcorp
Classification: Likely benign. Last evaluated: 2023-09-30. Review status: criteria provided, single submitter. Criteria: Invitae Variant Classification Sherloc (09022015). Collection method: clinical testing. Allele origin: germline.